The following is an entry in ClinVar:

NM_014806.5(RUSC2):c.1967G>C (p.Ser656Thr)

Gene: RUSC2 (RUN and SH3 domain containing 2; plus strand). Cytogenetic location: 9p13.3.
Variant type: single nucleotide variant.
Coding change: c.1967G>C on transcript NM_014806.5 (MANE Select); coding-DNA position 1967, G replaced by C.
Protein change: p.Ser656Thr; replaces serine 656 with threonine.
Molecular consequence: missense variant. On other transcripts: intron variant (1).
Genome position (GRCh38, 1-based): chr9:35,548,488, G>C. VCF-style: chr9-35548488-G-C. GRCh37 (hg19) VCF-style: chr9-35548485-G-C.
Other names: c.1967G>C (NM_001135999.1); c.1967G>C, p.Ser656Thr (NM_001135999.2); c.-620-6572G>C (NM_001330740.2); short protein forms S656T.
Identifiers: ClinVar variation 1946379 (VCV001946379.4), dbSNP rs147102296, ClinGen allele CA192747858.

ClinVar aggregate classification (germline): Uncertain significance. Review status: criteria provided, multiple submitters, no conflicts (2 of 4 stars). 2 submissions from 2 submitters: Uncertain significance (2). Last evaluated 2025-02-06.

Submissions (2):

Labcorp Genetics (formerly Invitae), Labcorp
Classification: Uncertain significance. Last evaluated: 2025-02-06. Review status: criteria provided, single submitter. Criteria: Invitae Variant Classification Sherloc (09022015). Collection method: clinical testing. Allele origin: germline.
Comment: This sequence change replaces serine, which is neutral and polar, with threonine, which is neutral and polar, at codon 656 of the RUSC2 protein (p.Ser656Thr). This variant is present in population databases (rs147102296, gnomAD 0.003%). This variant has not been reported in the literature in individuals affected with RUSC2-related conditions. ClinVar contains an entry for this variant (Variation ID: 1946379). An algorithm developed to predict the effect of missense changes on protein structure and function outputs the following: PolyPhen-2: "Benign". The threonine amino acid residue is found in multiple mammalian species, which suggests that this missense change does not adversely affect protein function. In summary, the available evidence is currently insufficient to determine the role of this variant in disease. Therefore, it has been classified as a Variant of Uncertain Significance.

Ambry Genetics
Classification: Uncertain significance. Last evaluated: 2024-09-03. Review status: criteria provided, single submitter. Criteria: Ambry Variant Classification Scheme 2023. Collection method: clinical testing. Allele origin: germline.